The following is an entry in ClinVar:

ClinVar aggregate classification (germline): Uncertain significance (1 of 4 stars; one submission).

Conditions:
Colorectal cancer, hereditary nonpolyposis, type 7. Identifiers: Orphanet 144, MedGen C1858380, MONDO:0013725, OMIM 614385.

Submission:

Labcorp Genetics (formerly Invitae), Labcorp
Classification: Uncertain significance for Colorectal cancer, hereditary nonpolyposis, type 7. Last evaluated: 2024-10-02. Review status: criteria provided, single submitter. Criteria: Invitae Variant Classification Sherloc (09022015). Collection method: clinical testing. Allele origin: germline.
Comment: This sequence change replaces histidine, which is basic and polar, with arginine, which is basic and polar, at codon 625 of the MLH3 protein (p.His625Arg). This variant is not present in population databases (gnomAD no frequency). This variant has not been reported in the literature in individuals affected with MLH3-related conditions. An algorithm developed to predict the effect of missense changes on protein structure and function (PolyPhen-2) suggests that this variant is likely to be tolerated. In summary, the available evidence is currently insufficient to determine the role of this variant in disease. Therefore, it has been classified as a Variant of Uncertain Significance.

NM_001040108.2(MLH3):c.1874A>G (p.His625Arg)

Gene: MLH3 (mutL homolog 3; minus strand). Cytogenetic location: 14q24.3.
Variant type: single nucleotide variant.
Coding change: c.1874A>G on transcript NM_001040108.2 (MANE Select); coding-DNA position 1874, A replaced by G.
Protein change: p.His625Arg; replaces histidine 625 with arginine.
Molecular consequence: missense variant.
Genome position (GRCh38, 1-based): chr14:75,047,782, T>C on the plus strand (A>G on the coding strand, the complement: MLH3 is on the minus strand). VCF-style: chr14-75047782-T-C. GRCh37 (hg19) VCF-style: chr14-75514485-T-C.
Other names: c.1874A>G, p.His625Arg (NM_014381.3); short protein forms H625R.
Identifiers: ClinVar variation 3692629 (VCV003692629.2).